The following is an entry in ClinVar:

ClinVar aggregate classification (germline): Uncertain significance (1 of 4 stars; one submission).

Submission:

Ambry Genetics
Classification: Uncertain significance. Last evaluated: 2022-04-10. Review status: criteria provided, single submitter. Criteria: Ambry Variant Classification Scheme 2023. Collection method: clinical testing. Allele origin: germline.
Comment: The p.E803G variant (also known as c.2408A>G), located in coding exon 13 of the NPAT gene, results from an A to G substitution at nucleotide position 2408. The glutamic acid at codon 803 is replaced by glycine, an amino acid with similar properties. This amino acid position is conserved. In addition, this alteration is predicted to be tolerated by in silico analysis. Since supporting evidence is limited at this time, the clinical significance of this alteration remains unclear.

NM_002519.3(NPAT):c.2408A>G (p.Glu803Gly)

Gene: NPAT (nuclear protein, coactivator of histone transcription; minus strand). Cytogenetic location: 11q22.3.
Variant type: single nucleotide variant.
Coding change: c.2408A>G on transcript NM_002519.3 (MANE Select); coding-DNA position 2408, A replaced by G.
Protein change: p.Glu803Gly; replaces glutamic acid 803 with glycine.
Molecular consequence: missense variant.
Genome position (GRCh38, 1-based): chr11:108,172,576, T>C on the plus strand (A>G on the coding strand, the complement: NPAT is on the minus strand). VCF-style: chr11-108172576-T-C. GRCh37 (hg19) VCF-style: chr11-108043303-T-C.
Other names: c.2408A>G, p.Glu803Gly (NM_001321307.1); short protein forms E803G.
Identifiers: ClinVar variation 1790826 (VCV001790826.2), dbSNP rs2496717352, ClinGen allele CA382513046.